The following is an entry in ClinVar:

NC_000019.10:g.(?_18073497)_(18073619_?)del

Gene: IL12RB1 (interleukin 12 receptor subunit beta 1; minus strand). Cytogenetic location: 19p13.11.
Variant type: Deletion.
Identifiers: ClinVar variation 832339 (VCV000832339.8).

ClinVar aggregate classification (germline): Pathogenic (1 of 4 stars; one submission).

Conditions:
Mendelian susceptibility to mycobacterial diseases due to complete IL12RB1 deficiency. Also called: IL12RB1 DEFICIENCY; Immunodeficiency 30. Identifiers: Orphanet 319552, MedGen C4013949, MONDO:0013955, OMIM 614891.

Submission:

Labcorp Genetics (formerly Invitae), Labcorp
Classification: Pathogenic for Mendelian susceptibility to mycobacterial diseases due to complete IL12RB1 deficiency. Last evaluated: 2023-09-17. Review status: criteria provided, single submitter. Criteria: Invitae Variant Classification Sherloc (09022015). Collection method: clinical testing. Allele origin: germline.
Comment: This variant is a gross deletion of the genomic region encompassing exon(s) 8 of the IL12RB1 gene. This deletion is out-of-frame, and is expected to create a premature termination codon and result in an absent or disrupted protein product. Loss-of-function variants in IL12RB1 are known to be pathogenic (PMID: 9603733, 12591909). A similar copy number variant has been observed in individual(s) with clinical features of autosomal recessive IL-12RŒ≤1 deficiency (PMID: 29995221). For these reasons, this variant has been classified as Pathogenic.

Literature cited by the submitters: PubMed 9603733; PubMed 12591909; PubMed 29995221.